The following is an entry in ClinVar:

NM_177438.3(DICER1):c.1427G>C (p.Ser476Thr)

Gene: DICER1 (dicer 1, ribonuclease III; minus strand). Cytogenetic location: 14q32.13.
Variant type: single nucleotide variant.
Coding change: c.1427G>C on transcript NM_177438.3 (MANE Select); coding-DNA position 1427, G replaced by C.
Protein change: p.Ser476Thr; replaces serine 476 with threonine.
Molecular consequence: missense variant. On other transcripts: 5 prime UTR variant (1), non-coding transcript variant (6).
Genome position (GRCh38, 1-based): chr14:95,117,704, C>G on the plus strand (G>C on the coding strand, the complement: DICER1 is on the minus strand). VCF-style: chr14-95117704-C-G. GRCh37 (hg19) VCF-style: chr14-95584041-C-G.
Other names: c.1427G>C, p.Ser476Thr (NM_001195573.1, NM_001271282.3, NM_001291628.2 and 13 more transcripts); c.1022G>C, p.Ser341Thr (NM_001395690.1, NM_001395696.1, NM_001395698.1 and 3 more transcripts); c.860G>C, p.Ser287Thr (NM_001395691.1); c.-142G>C (NM_001395697.1); c.1145G>C, p.Ser382Thr (NM_001395686.1); short protein forms S287T, S382T, S341T, S476T.
Identifiers: ClinVar variation 2813057 (VCV002813057.3), dbSNP rs1892603157, ClinGen allele CA390885595.
Genomic context (GRCh38, chr14:95,117,704, plus strand): 5'-GCTTCCATCTGTTTGTTGCGAGGCTGATTCTTCCCAATGCCATGTCCAGTTATGAAATTG[C>G]TACTGATATAAGCCAGCTCTGGATCTTGTTTGCCAGCTTCCTTTATCAATCTAAGAAAAT-3'
Protein context (NP_803187.1, residues 466-486): KQDPELAYIS[Ser476Thr]NFITGHGIGK

ClinVar aggregate classification (germline): Uncertain significance (1 of 4 stars; one submission).

Conditions:
DICER1-related tumor predisposition. Also called: DICER1 syndrome; DICER1-related pleuropulmonary blastoma cancer predisposition syndrome. Identifiers: Orphanet 284343, MedGen C3839822, MONDO:0100216.

Submission:

Labcorp Genetics (formerly Invitae), Labcorp
Classification: Uncertain significance for DICER1-related tumor predisposition. Last evaluated: 2022-11-09. Review status: criteria provided, single submitter. Criteria: Invitae Variant Classification Sherloc (09022015). Collection method: clinical testing. Allele origin: germline.
Comment: In summary, the available evidence is currently insufficient to determine the role of this variant in disease. Therefore, it has been classified as a Variant of Uncertain Significance. Advanced modeling of protein sequence and biophysical properties (such as structural, functional, and spatial information, amino acid conservation, physicochemical variation, residue mobility, and thermodynamic stability) performed at Invitae indicates that this missense variant is not expected to disrupt DICER1 protein function. This variant has not been reported in the literature in individuals affected with DICER1-related conditions. This variant is not present in population databases (gnomAD no frequency). This sequence change replaces serine, which is neutral and polar, with threonine, which is neutral and polar, at codon 476 of the DICER1 protein (p.Ser476Thr).